The following is an entry in ClinVar:

NM_000153.4(GALC):c.583-6T>G

Gene: GALC (galactosylceramidase; minus strand). Cytogenetic location: 14q31.3.
Variant type: single nucleotide variant.
Coding change: c.583-6T>G on transcript NM_000153.4 (MANE Select); 6 bases into the intron before coding-DNA position 583, T replaced by G.
Molecular consequence: intron variant.
Genome position (GRCh38, 1-based): chr14:87,982,249, A>C on the plus strand (T>G on the coding strand, the complement: GALC is on the minus strand). VCF-style: chr14-87982249-A-C. GRCh37 (hg19) VCF-style: chr14-88448593-A-C.
Other names: c.505-6T>G (NM_001201402.2); c.514-6T>G (NM_001201401.2).
Identifiers: ClinVar variation 2003039 (VCV002003039.4), dbSNP rs398123176, ClinGen allele CA2580088859.

ClinVar aggregate classification (germline): Uncertain significance (1 of 4 stars; one submission).

Conditions:
Galactosylceramide beta-galactosidase deficiency. Also called: Krabbe Disease; Leukodystrophy, Globoid Cell; GALACTOCEREBROSIDASE DEFICIENCY; GALC DEFICIENCY; GLOBOID CELL LEUKOENCEPHALOPATHY. Identifiers: Orphanet 487, MedGen C0023521, MONDO:0009499, OMIM 245200.

Submission:

Labcorp Genetics (formerly Invitae), Labcorp
Classification: Uncertain significance for Galactosylceramide beta-galactosidase deficiency. Last evaluated: 2022-06-07. Review status: criteria provided, single submitter. Criteria: Invitae Variant Classification Sherloc (09022015). Collection method: clinical testing. Allele origin: germline.
Comment: Algorithms developed to predict the effect of sequence changes on RNA splicing suggest that this variant may disrupt the consensus splice site. This variant has not been reported in the literature in individuals affected with GALC-related conditions. This variant is not present in population databases (gnomAD no frequency). This sequence change falls in intron 5 of the GALC gene. It does not directly change the encoded amino acid sequence of the GALC protein. In summary, the available evidence is currently insufficient to determine the role of this variant in disease. Therefore, it has been classified as a Variant of Uncertain Significance.